The following is an entry in ClinVar:

ClinVar aggregate classification (germline): Uncertain significance (1 of 4 stars; one submission).

Conditions:
PKD1L1-related disorder. Also called: PKD1L1-related condition.

gnomAD v4.1: 3 of 1,614,052 alleles (0.00019%); highest among the groups gnomAD compares: Non-Finnish European, 0.00025%; no homozygotes.

Submission:

PreventionGenetics, part of Exact Sciences
Classification: Uncertain significance for PKD1L1-related condition. Last evaluated: 2026-07-20. Review status: criteria provided, single submitter. Criteria: ACMG Guidelines, 2015. Collection method: clinical testing. Allele origin: germline.
Comment: The PKD1L1 c.1043A>G variant is predicted to result in the amino acid substitution p.Tyr348Cys. To our knowledge, this variant has not been reported in the literature. This variant is reported in 0.00088% of alleles in individuals of European (Non-Finnish) descent in gnomAD. At this time, the clinical significance of this variant is uncertain due to the absence of conclusive functional and genetic evidence.

NM_138295.5(PKD1L1):c.1043A>G (p.Tyr348Cys)

Gene: PKD1L1 (polycystin 1 like 1, transient receptor potential channel interacting; minus strand). Cytogenetic location: 7p12.3.
Variant type: single nucleotide variant.
Coding change: c.1043A>G on transcript NM_138295.5 (MANE Select); coding-DNA position 1043, A replaced by G.
Protein change: p.Tyr348Cys; replaces tyrosine 348 with cysteine.
Molecular consequence: missense variant.
Genome position (GRCh38, 1-based): chr7:47,929,221, T>C on the plus strand (A>G on the coding strand, the complement: PKD1L1 is on the minus strand). VCF-style: chr7-47929221-T-C. GRCh37 (hg19) VCF-style: chr7-47968818-T-C.
Other names: short protein forms Y348C.
Identifiers: ClinVar variation 4979834 (VCV004979834.1).
Genomic context (GRCh38, chr7:47,929,221, plus strand): 5'-GACCTCCTTCCCAGGCTCCTGATAAGGACACCATGCACCTTACCTTTTGAGTACTGGTGG[T>C]AGGCAGTCACCGCCATTGCCTCAGACATGTTGTGTAGCCTCATTTCAACCCCAGAACTGT-3'
Protein context (NP_612152.1, residues 338-358): NMSEAMAVTA[Tyr348Cys]HQYSKGIFFH